The following is an entry in ClinVar:

NM_000264.5(PTCH1):c.160A>G (p.Ser54Gly)

Genes: PTCH1 (patched 1; minus strand), LOC130002133 (ATAC-STARR-seq lymphoblastoid silent region 20071; plus strand). Cytogenetic location: 9q22.32.
Variant type: single nucleotide variant.
Coding change: c.160A>G on transcript NM_000264.5 (MANE Select); coding-DNA position 160, A replaced by G.
Protein change: p.Ser54Gly; replaces serine 54 with glycine.
Molecular consequence: missense variant. On other transcripts: non-coding transcript variant (1), intron variant (3).
Genome position (GRCh38, 1-based): chr9:95,508,202, T>C on the plus strand (A>G on the coding strand, the complement: PTCH1 is on the minus strand). VCF-style: chr9-95508202-T-C. GRCh37 (hg19) VCF-style: chr9-98270484-T-C.
Other names: c.160A>G, p.Ser54Gly (NM_001354918.2); c.199-1603A>G (NM_001083603.3); c.4-1603A>G (NM_001083602.3, NM_001354919.2); short protein forms S54G.
Identifiers: ClinVar variation 3230946 (VCV003230946.1), dbSNP rs1490959369, ClinGen allele CA374121329.

ClinVar aggregate classification (germline): Uncertain significance (1 of 4 stars; one submission).

Conditions:
Hereditary cancer-predisposing syndrome. Also called: Neoplastic Syndromes, Hereditary; Tumor predisposition; Hereditary neoplastic syndrome; Hereditary Cancer Syndrome. Identifiers: Orphanet 140162, MedGen C0027672, MeSH D009386, MONDO:0015356.

Allele frequency attached by ClinVar (database versions not stated): gnomAD exomes below 0.00001.
gnomAD v4.1: 1 of 1,612,388 alleles (0.000062%); highest among the groups gnomAD compares: South Asian, 0.0011%; no homozygotes.

Submission:

Ambry Genetics
Classification: Uncertain significance for Hereditary cancer-predisposing syndrome. Last evaluated: 2023-09-20. Review status: criteria provided, single submitter. Criteria: Ambry Variant Classification Scheme 2023. Collection method: clinical testing. Allele origin: germline.
Comment: The p.S54G variant (also known as c.160A>G), located in coding exon 1 of the PTCH1 gene, results from an A to G substitution at nucleotide position 160. The serine at codon 54 is replaced by glycine, an amino acid with similar properties. This amino acid position is conserved. In addition, the in silico prediction for this alteration is inconclusive. Since supporting evidence is limited at this time, the clinical significance of this alteration remains unclear.